The following is an entry in ClinVar:

NM_000094.4(COL7A1):c.941G>T (p.Ser314Ile)

Gene: COL7A1 (collagen type VII alpha 1 chain; minus strand). Cytogenetic location: 3p21.31.
Variant type: single nucleotide variant.
Coding change: c.941G>T on transcript NM_000094.4 (MANE Select); coding-DNA position 941, G replaced by T.
Protein change: p.Ser314Ile; replaces serine 314 with isoleucine.
Molecular consequence: missense variant.
Genome position (GRCh38, 1-based): chr3:48,592,605, C>A on the plus strand (G>T on the coding strand, the complement: COL7A1 is on the minus strand). VCF-style: chr3-48592605-C-A. GRCh37 (hg19) VCF-style: chr3-48630038-C-A.
Other names: short protein forms S314I.
Identifiers: ClinVar variation 901012 (VCV000901012.7), dbSNP rs1025287667, ClinGen allele CA73992830.

ClinVar aggregate classification (germline): Uncertain significance. Review status: criteria provided, multiple submitters, no conflicts (2 of 4 stars). 2 submissions from 2 submitters: Uncertain significance (2). Last evaluated 2022-11-11.

Conditions:
Epidermolysis bullosa dystrophica. Also called: Dystrophic epidermolysis bullosa, Hallopeau-Siemens type (formerly); Dystrophic epidermolysis bullosa. Identifiers: Orphanet 303, MedGen C0079294, MONDO:0006543.

Allele frequency attached by ClinVar (database versions not stated): TOPMed below 0.00001.
gnomAD v4.1: 3 of 1,614,058 alleles (0.00019%); highest among the groups gnomAD compares: Non-Finnish European, 0.00025%; no homozygotes.

Submissions (2):

Labcorp Genetics (formerly Invitae), Labcorp
Classification: Uncertain significance. Last evaluated: 2022-11-11. Review status: criteria provided, single submitter. Criteria: Invitae Variant Classification Sherloc (09022015). Collection method: clinical testing. Allele origin: germline.
Comment: This variant has not been reported in the literature in individuals affected with COL7A1-related conditions. This variant is not present in population databases (gnomAD no frequency). This sequence change replaces serine, which is neutral and polar, with isoleucine, which is neutral and non-polar, at codon 314 of the COL7A1 protein (p.Ser314Ile). ClinVar contains an entry for this variant (Variation ID: 901012). In summary, the available evidence is currently insufficient to determine the role of this variant in disease. Therefore, it has been classified as a Variant of Uncertain Significance. Advanced modeling of protein sequence and biophysical properties (such as structural, functional, and spatial information, amino acid conservation, physicochemical variation, residue mobility, and thermodynamic stability) performed at Invitae indicates that this missense variant is not expected to disrupt COL7A1 protein function.

Illumina Laboratory Services, Illumina
Classification: Uncertain significance for Dystrophic epidermolysis bullosa. Last evaluated: 2018-01-13. Review status: criteria provided, single submitter. Criteria: ICSL Variant Classification Criteria 13 December 2019. Collection method: clinical testing. Allele origin: germline.